The following is an entry in ClinVar:

ClinVar aggregate classification (germline): Uncertain significance. Review status: criteria provided, multiple submitters, no conflicts (2 of 4 stars). 3 submissions from 3 submitters: Uncertain significance (2). 1 of the submissions does not count toward it. Last evaluated 2024-02-19.

Conditions:
Inborn genetic diseases. Identifiers: MedGen C0950123, MeSH D030342.
Familial sleep-related hypermotor epilepsy. Also called: Autosomal Dominant Sleep-Related Hypermotor (Hyperkinetic) Epilepsy. Identifiers: Orphanet 98784, MedGen C3696898, MONDO:0000030.

Allele frequency attached by ClinVar (database versions not stated): TOPMed below 0.00001; gnomAD exomes 0.00001 and 0.00003.

Submissions (3):

Labcorp Genetics (formerly Invitae), Labcorp
Classification: Uncertain significance. Last evaluated: 2024-02-19. Review status: criteria provided, single submitter. Criteria: Invitae Variant Classification Sherloc (09022015). Collection method: clinical testing. Allele origin: germline.
Comment: This sequence change replaces serine, which is neutral and polar, with leucine, which is neutral and non-polar, at codon 488 of the CHRNA2 protein (p.Ser488Leu). This variant is present in population databases (no rsID available, gnomAD 0.006%). This variant has not been reported in the literature in individuals affected with CHRNA2-related conditions. ClinVar contains an entry for this variant (Variation ID: 589859). An algorithm developed to predict the effect of missense changes on protein structure and function (PolyPhen-2) suggests that this variant is likely to be disruptive. In summary, the available evidence is currently insufficient to determine the role of this variant in disease. Therefore, it has been classified as a Variant of Uncertain Significance.

Ambry Genetics
Classification: Uncertain significance for Inborn genetic diseases. Last evaluated: 2016-06-14. Review status: criteria provided, single submitter. Criteria: Ambry Variant Classification Scheme 2023. Collection method: clinical testing. Allele origin: germline.
Comment: The p.S488L variant (also known as c.1463C>T), located in coding exon 5 of the CHRNA2 gene, results from a C to T substitution at nucleotide position 1463. The serine at codon 488 is replaced by leucine, an amino acid with dissimilar properties. This variant was not reported in population based cohorts in the following databases: Database of Single Nucleotide Polymorphisms (dbSNP), NHLBI Exome Sequencing Project (ESP), and 1000 Genomes Project. In the ESP, this variant was not observed in 6503 samples (13006 alleles) with coverage at this position. This amino acid position is highly conserved in available vertebrate species. In addition, the in silico prediction for this alteration is inconclusive. Based on available evidence to date, the clinical significance of this variant remains unclear.

Genetics and Genomic Medicine Centre, NeuroGen Healthcare, NeuroGen Healthcare
Classification: Likely pathogenic. Last evaluated: 2022-01-15. Review status: no assertion criteria provided. Collection method: clinical testing. Allele origin: unknown. Affected: yes. Not counted in ClinVar's aggregate classification.

NM_000742.4(CHRNA2):c.1463C>T (p.Ser488Leu)

Gene: CHRNA2 (cholinergic receptor nicotinic alpha 2 subunit; minus strand). Cytogenetic location: 8p21.2.
Variant type: single nucleotide variant.
Coding change: c.1463C>T on transcript NM_000742.4 (MANE Select); coding-DNA position 1463, C replaced by T.
Protein change: p.Ser488Leu; replaces serine 488 with leucine.
Molecular consequence: missense variant.
Genome position (GRCh38, 1-based): chr8:27,462,980, G>A on the plus strand (C>T on the coding strand, the complement: CHRNA2 is on the minus strand). VCF-style: chr8-27462980-G-A. GRCh37 (hg19) VCF-style: chr8-27320497-G-A.
Other names: c.1418C>T, p.Ser473Leu (NM_001282455.2); c.986C>T, p.Ser329Leu (NM_001347705.2, NM_001347706.2); c.869C>T, p.Ser290Leu (NM_001347707.2, NM_001347708.2); short protein forms S488L, S473L, S290L, S329L.
Identifiers: ClinVar variation 589859 (VCV000589859.12), dbSNP rs866092045, ClinGen allele CA174238307.